The following is an entry in ClinVar:

NM_139027.6(ADAMTS13):c.915C>A (p.Tyr305Ter)

Gene: ADAMTS13 (ADAM metallopeptidase with thrombospondin type 1 motif 13; plus strand). Cytogenetic location: 9q34.2.
Variant type: single nucleotide variant.
Coding change: c.915C>A on transcript NM_139027.6 (MANE Select); coding-DNA position 915, C replaced by A.
Protein change: p.Tyr305Ter; replaces tyrosine 305 with a stop codon.
Molecular consequence: nonsense. On other transcripts: intron variant (1).
Genome position (GRCh38, 1-based): chr9:133,430,029, C>A. VCF-style: chr9-133430029-C-A. GRCh37 (hg19) VCF-style: chr9-136295149-C-A.
Other names: p.Tyr305*; c.915C>A, p.Tyr305Ter (NM_139025.5); c.825-3C>A (NM_139026.6); short protein forms Y305*.
Identifiers: ClinVar variation 4541499 (VCV004541499.1).

ClinVar aggregate classification (germline): Likely pathogenic (1 of 4 stars; one submission).

gnomAD v4.1: 13 of 1,593,666 alleles (0.00082%); highest among the groups gnomAD compares: Non-Finnish European, 0.0011%; no homozygotes.

Submission:

Mayo Clinic Laboratories, Mayo Clinic
Classification: Likely pathogenic. Last evaluated: 2024-12-05. Review status: criteria provided, single submitter. Criteria: ACMG Guidelines, 2015. Collection method: clinical testing. Allele origin: germline. Observed: 1 variant allele.
Comment: PM2_supporting, PVS1

Literature cited by the submitters: PubMed 30770395; PubMed 38935915.